The following is an entry in ClinVar:

NM_001129.5(AEBP1):c.1590C>G (p.Ser530Arg)

Gene: AEBP1 (AE binding protein 1; plus strand). Cytogenetic location: 7p13.
Variant type: single nucleotide variant.
Coding change: c.1590C>G on transcript NM_001129.5 (MANE Select); coding-DNA position 1590, C replaced by G.
Protein change: p.Ser530Arg; replaces serine 530 with arginine.
Molecular consequence: missense variant.
Genome position (GRCh38, 1-based): chr7:44,111,017, C>G. VCF-style: chr7-44111017-C-G. GRCh37 (hg19) VCF-style: chr7-44150616-C-G.
Other names: short protein forms S530R.
Identifiers: ClinVar variation 1915169 (VCV001915169.5), dbSNP rs1221090645, ClinGen allele CA367365622.

ClinVar aggregate classification (germline): Uncertain significance (1 of 4 stars; one submission).

Allele frequency attached by ClinVar (database versions not stated): gnomAD exomes 0.00001.
gnomAD v4.1: 9 of 1,613,652 alleles (0.00056%); highest among the groups gnomAD compares: Non-Finnish European, 0.00076%; no homozygotes.

Submission:

Labcorp Genetics (formerly Invitae), Labcorp
Classification: Uncertain significance. Last evaluated: 2022-02-25. Review status: criteria provided, single submitter. Criteria: Invitae Variant Classification Sherloc (09022015). Collection method: clinical testing. Allele origin: germline.
Comment: In summary, the available evidence is currently insufficient to determine the role of this variant in disease. Therefore, it has been classified as a Variant of Uncertain Significance. Algorithms developed to predict the effect of missense changes on protein structure and function are either unavailable or do not agree on the potential impact of this missense change (SIFT: "Deleterious"; PolyPhen-2: "Probably Damaging"; Align-GVGD: "Class C0"). This variant has not been reported in the literature in individuals affected with AEBP1-related conditions. This variant is present in population databases (no rsID available, gnomAD 0.002%). This sequence change replaces serine, which is neutral and polar, with arginine, which is basic and polar, at codon 530 of the AEBP1 protein (p.Ser530Arg).